The following is an entry in ClinVar:

ClinVar aggregate classification (germline): Uncertain significance (1 of 4 stars; one submission).

Submission:

Labcorp Genetics (formerly Invitae), Labcorp
Classification: Uncertain significance. Last evaluated: 2023-09-01. Review status: criteria provided, single submitter. Criteria: Invitae Variant Classification Sherloc (09022015). Collection method: clinical testing. Allele origin: germline.
Comment: Experimental studies and prediction algorithms are not available or were not evaluated, and the functional significance of this variant is currently unknown. In summary, the available evidence is currently insufficient to determine the role of this variant in disease. Therefore, it has been classified as a Variant of Uncertain Significance. This variant has not been reported in the literature in individuals affected with COL11A1-related conditions. This variant is not present in population databases (gnomAD no frequency). This sequence change replaces glycine, which is neutral and non-polar, with aspartic acid, which is acidic and polar, at codon 1309 of the COL11A1 protein (p.Gly1309Asp).

NM_001854.4(COL11A1):c.3926G>A (p.Gly1309Asp)

Gene: COL11A1 (collagen type XI alpha 1 chain; minus strand). Cytogenetic location: 1p21.1.
Variant type: single nucleotide variant.
Coding change: c.3926G>A on transcript NM_001854.4 (MANE Select); coding-DNA position 3926, G replaced by A.
Protein change: p.Gly1309Asp; replaces glycine 1309 with aspartic acid.
Molecular consequence: missense variant. On other transcripts: non-coding transcript variant (1).
Genome position (GRCh38, 1-based): chr1:102,914,404, C>T on the plus strand (G>A on the coding strand, the complement: COL11A1 is on the minus strand). VCF-style: chr1-102914404-C-T. GRCh37 (hg19) VCF-style: chr1-103379960-C-T.
Other names: c.3578G>A, p.Gly1193Asp (NM_001168249.1, NM_080630.4); c.3809G>A, p.Gly1270Asp (NM_001190709.2); c.3962G>A, p.Gly1321Asp (NM_080629.3); short protein forms G1193D, G1309D, G1270D, G1321D.
Identifiers: ClinVar variation 2740802 (VCV002740802.3), dbSNP rs2524479774, ClinGen allele CA341161054.